The following is an entry in ClinVar:

ClinVar aggregate classification (germline): Uncertain significance. Review status: criteria provided, multiple submitters, no conflicts (2 of 4 stars). 11 submissions from 11 submitters: Uncertain significance (8). 3 of the submissions do not count toward it. Last evaluated 2026-01-26.

Conditions:
ATM-related disorder. Also called: ATM-related disorders; ATM-related condition.
Breast and/or ovarian cancer. Identifiers: MedGen CN221562.
Hereditary cancer-predisposing syndrome. Also called: Hereditary Cancer Syndrome; Neoplastic Syndromes, Hereditary; Tumor predisposition; Hereditary neoplastic syndrome. Identifiers: Orphanet 140162, MedGen C0027672, MeSH D009386, MONDO:0015356.
Familial cancer of breast. Also called: BREAST CANCER, FAMILIAL; Hereditary breast cancer; hereditary breast carcinoma. Identifiers: Orphanet 227535, MedGen C0346153, MONDO:0016419, OMIM 114480. Disease mechanism: loss of function.
Ataxia-telangiectasia syndrome (AT). Also called: Ataxia-telangiectasia, complementation group D; AT, COMPLEMENTATION GROUP C; ATAXIA-TELANGIECTASIA, COMPLEMENTATION GROUP A; ATAXIA-TELANGIECTASIA, FRESNO VARIANT; Ataxia-telangiectasia; LOUIS-BAR SYNDROME. Identifiers: Orphanet 100, MedGen C0004135, MONDO:0008840, OMIM 208900.

Allele frequency attached by ClinVar (database versions not stated): TOPMed 0.00001; ExAC 0.00002; gnomAD exomes 0.00002 and 0.00006; gnomAD 0.00003; ESP Exome Variant Server 0.00008.
gnomAD v4.1: 95 of 1,614,080 alleles (0.0059%); highest among the groups gnomAD compares: Non-Finnish European, 0.008%; no homozygotes.

Submissions (11):

Labcorp Genetics (formerly Invitae), Labcorp
Classification: Uncertain significance for Ataxia-telangiectasia syndrome. Last evaluated: 2026-01-26. Review status: criteria provided, single submitter. Criteria: Invitae Variant Classification Sherloc (09022015). Collection method: clinical testing. Allele origin: germline.
Comment: This sequence change replaces leucine, which is neutral and non-polar, with phenylalanine, which is neutral and non-polar, at codon 480 of the ATM protein (p.Leu480Phe). This variant is present in population databases (rs370240037, gnomAD 0.004%). This missense change has been observed in individual(s) with ATM-related conditions (PMID: 19638463, 24448499, 26580448, 28779002, 33436325, 36029002). ClinVar contains an entry for this variant (Variation ID: 186322). Invitae Evidence Modeling of protein sequence and biophysical properties (such as structural, functional, and spatial information, amino acid conservation, physicochemical variation, residue mobility, and thermodynamic stability) indicates that this missense variant is not expected to disrupt ATM protein function with a negative predictive value of 95%. Experimental studies have shown that this missense change affects ATM function (PMID: 36029002). In summary, the available evidence is currently insufficient to determine the role of this variant in disease. Therefore, it has been classified as a Variant of Uncertain Significance.

Women's Health and Genetics/Laboratory Corporation of America, LabCorp
Classification: Uncertain significance. Last evaluated: 2025-12-12. Review status: criteria provided, single submitter. Criteria: LabCorp Variant Classification Summary - May 2015. Collection method: clinical testing. Allele origin: germline.
Comment: Variant summary: ATM c.1440A>C (p.Leu480Phe) results in a non-conservative amino acid change in the encoded protein sequence. Algorithms developed to predict the effect of missense changes on protein structure and function are either unavailable or do not agree on the potential impact of this missense change. The variant allele was found at a frequency of 2e-05 in 252468 control chromosomes. The available data on variant occurrences in the general population are insufficient to allow any conclusion about variant significance. c.1440A>C has been reported in the literature in individuals affected with prostate cancer and individuals affected with other types of cancer (e.g. Pugh_2009, Karlsson_2021, Kanchi_2014, Lu_2015, Zhang_2015, Petrackova_2022). These reports do not provide unequivocal conclusions about association of the variant with prostate cancer or other ATM-related cancers. At least one publication reports experimental evidence evaluating the effect of the variant on protein function in CLL and T cells from an individual with chronic lymphocytic leukaemia who had the variant in the germline (Petrackova_2022). The most pronounced variant effect resulted in >50%-80% ATM activity versus the wildtype protein. The following publications have been ascertained in the context of this evaluation (PMID: 24448499, 33436325, 26689913, 19638463, 26580448, 36029002). ClinVar contains an entry for this variant (Variation ID: 186322). Based on the evidence outlined above, the variant was classified as uncertain significance.

GeneDx
Classification: Uncertain significance. Last evaluated: 2025-08-20. Review status: criteria provided, single submitter. Criteria: GeneDx Variant Classification Process June 2021. Collection method: clinical testing. Allele origin: germline. Affected: yes.
Comment: Not observed at significant frequency in large population cohorts (gnomAD); In silico analysis suggests that this missense variant does not alter protein structure/function; Observed in individuals with ovarian, breast, or prostate cancer (PMID: 19638463, 24448499, 26689913, 28779002, 32832836, 33436325); This variant is associated with the following publications: (PMID: 19638463, 26689913, 24448499, 28779002, 26580448, 32832836, 33436325, 36029002, 33471991)

Color Diagnostics, LLC DBA Color Health
Classification: Uncertain significance for Hereditary cancer-predisposing syndrome. Last evaluated: 2024-09-16. Review status: criteria provided, single submitter. Criteria: ACMG Guidelines, 2015. Collection method: clinical testing. Allele origin: germline.
Comment: This missense variant replaces leucine with phenylalanine at codon 480 of the ATM protein. Computational prediction suggests that this variant may not impact protein structure and function. To our knowledge, functional studies have not been reported for this variant. This variant has been reported in individuals affected with ovarian cancer (PMID: 24448499, 26689913), chronic lymphocytic leukemia (PMID: 36029002), prostate cancer (PMID: 19638463, 33436325), and breast cancer (PMID: 28779002, 33471991). In a case-control study conducted in the UK, this variant was reported in 2/13087 breast cancer cases and 1/5488 controls (PMID: 28779002). In a second case-control study with international participation, this variant was reported in 3/60463 breast cancer cases and 2/53459 controls (PMID: 33471991). This variant has been identified in 6/282752 chromosomes in the general population by the Genome Aggregation Database (gnomAD). The available evidence is insufficient to determine the role of this variant in disease conclusively. Therefore, this variant is classified as a Variant of Uncertain Significance.

Ambry Genetics
Classification: Uncertain significance for Hereditary cancer-predisposing syndrome. Last evaluated: 2024-09-09. Review status: criteria provided, single submitter. Criteria: Ambry Variant Classification Scheme 2023. Collection method: clinical testing. Allele origin: germline.
Comment: The p.L480F variant (also known as c.1440A>C), located in coding exon 9 of the ATM gene, results from an A to C substitution at nucleotide position 1440. The leucine at codon 480 is replaced by phenylalanine, an amino acid with highly similar properties. This alteration has been identified in multiple individuals diagnosed with breast and/or ovarian cancer (Kanchi KL et al. Nat. Commun. 2014;5:3156; Lu C et al. Nat Commun. 2015 Dec 22;6:10086; Decker B et al. J. Med. Genet., 2017 11;54:732-741). This alteration has also been identified in multiple individuals diagnosed with prostate cancer (Matejcic M et al. JCO Precis Oncol, 2020 Jan;4:32-43; Karlsson Q et al. Eur Urol Oncol, 2021 Aug;4:570-579). This alteration was This amino acid position is highly conserved in available vertebrate species. In addition, the in silico prediction for this alteration is inconclusive. Based on the available evidence, the clinical significance of this variant remains unclear.

Fulgent Genetics
Classification: Uncertain significance for Familial cancer of breast; Ataxia-telangiectasia syndrome. Last evaluated: 2024-04-03. Review status: criteria provided, single submitter. Criteria: ACMG Guidelines, 2015. Collection method: clinical testing. Allele origin: germline.

Baylor Genetics
Classification: Uncertain significance for Familial cancer of breast. Last evaluated: 2024-02-05. Review status: criteria provided, single submitter. Criteria: ACMG Guidelines, 2015. Collection method: clinical testing. Allele origin: unknown.

CHEO Genetics Diagnostic Laboratory, Children's Hospital of Eastern Ontario
Classification: Uncertain significance for Breast and/or ovarian cancer. Last evaluated: 2022-05-11. Review status: criteria provided, single submitter. Criteria: ACMG Guidelines, 2015. Collection method: clinical testing. Allele origin: germline.

PreventionGenetics, part of Exact Sciences
Classification: Uncertain significance for ATM-related condition. Last evaluated: 2024-05-28. Review status: no assertion criteria provided. Collection method: clinical testing. Allele origin: germline. Not counted in ClinVar's aggregate classification.
Comment: The ATM c.1440A>C variant is predicted to result in the amino acid substitution p.Leu480Phe. This variant has been observed in an individual with ovarian cancer who also harbored a loss of function variant in the BRCA1 gene (Kanchi et al. 2014. PubMed ID: 24448499) and another individual with prostate cancer (Pugh et al. 2009. PubMed ID: 19638463). This variant is reported in 0.0040% of alleles in individuals of African descent in gnomAD and is interpreted as uncertain in ClinVar. At this time, the clinical significance of this variant is uncertain due to the absence of conclusive functional and genetic evidence.

Natera, Inc.
Classification: Uncertain significance for Ataxia-telangiectasia. Last evaluated: 2020-07-30. Review status: no assertion criteria provided. Collection method: clinical testing. Allele origin: germline. Not counted in ClinVar's aggregate classification.

Counsyl
Classification: Uncertain significance for Ataxia-telangiectasia syndrome. Last evaluated: 2017-01-13. Review status: no assertion criteria provided. Collection method: clinical testing. Allele origin: unknown. Not counted in ClinVar's aggregate classification.

Literature cited by the submitters: PubMed 19638463 (cited by 4 submitters); PubMed 24448499 (cited by 4 submitters); PubMed 26580448 (cited by 3 submitters); PubMed 28779002 (cited by 3 submitters); PubMed 33436325 (cited by 4 submitters); PubMed 36029002 (cited by 3 submitters); PubMed 26689913 (cited by 3 submitters); PubMed 33471991 (cited by Color Diagnostics, LLC DBA Color Health); PubMed 32832836 (cited by Ambry Genetics).

NM_000051.4(ATM):c.1440A>C (p.Leu480Phe)

Gene: ATM (ATM serine/threonine kinase; plus strand). Cytogenetic location: 11q22.3.
Variant type: single nucleotide variant.
Coding change: c.1440A>C on transcript NM_000051.4 (MANE Select); coding-DNA position 1440, A replaced by C.
Protein change: p.Leu480Phe; replaces leucine 480 with phenylalanine.
Molecular consequence: missense variant.
Genome position (GRCh38, 1-based): chr11:108,250,905, A>C. VCF-style: chr11-108250905-A-C. GRCh37 (hg19) VCF-style: chr11-108121632-A-C.
Other names: c.1440A>C, p.Leu480Phe (NM_001351834.2); short protein forms L480F.
Identifiers: ClinVar variation 186322 (VCV000186322.42), dbSNP rs370240037, ClinGen allele CA194471.